The following is an entry in ClinVar:

NM_017654.4(SAMD9):c.2207A>G (p.Tyr736Cys)

Gene: SAMD9 (sterile alpha motif domain containing 9; minus strand). Cytogenetic location: 7q21.2.
Variant type: single nucleotide variant.
Coding change: c.2207A>G on transcript NM_017654.4 (MANE Select); coding-DNA position 2207, A replaced by G.
Protein change: p.Tyr736Cys; replaces tyrosine 736 with cysteine.
Molecular consequence: missense variant.
Genome position (GRCh38, 1-based): chr7:93,103,891, T>C on the plus strand (A>G on the coding strand, the complement: SAMD9 is on the minus strand). VCF-style: chr7-93103891-T-C. GRCh37 (hg19) VCF-style: chr7-92733204-T-C.
Other names: c.2207A>G, p.Tyr736Cys (NM_001193307.2); short protein forms Y736C.
Identifiers: ClinVar variation 4159082 (VCV004159082.1).
Genomic context (GRCh38, chr7:93,103,891, plus strand): 5'-TTCCTTAGTTCCCAGAGAATGTGCATAGCCAAGGTAGTTCCCCCACAGCCTGGATGATGA[T>C]ACAGATGAATAATTTTGGTACTTGTTGGTTTAGAAGAATCTGCACAGTTTTGAATCATTG-3'
Protein context (NP_060124.2, residues 726-746): KPTSTKIIHL[Tyr736Cys]HHPGCGGTTL

ClinVar aggregate classification (germline): Uncertain significance (1 of 4 stars; one submission).

Conditions:
Inborn genetic diseases. Identifiers: MedGen C0950123, MeSH D030342.

gnomAD v4.1: 1 of 1,614,008 alleles (0.000062%); highest among the groups gnomAD compares: Non-Finnish European, 0.000085%; no homozygotes.

Submission:

Ambry Genetics
Classification: Uncertain significance for Inborn genetic diseases. Last evaluated: 2025-07-15. Review status: criteria provided, single submitter. Criteria: Ambry Variant Classification Scheme 2023. Collection method: clinical testing. Allele origin: germline.
Comment: The p.Y736C variant (also known as c.2207A>G), located in coding exon 1 of the SAMD9 gene, results from an A to G substitution at nucleotide position 2207. The tyrosine at codon 736 is replaced by cysteine, an amino acid with highly dissimilar properties. This amino acid position is conserved. In addition, the in silico prediction for this alteration is inconclusive. Based on the available evidence, the clinical significance of this variant remains unclear.